The following is an entry in ClinVar:

ClinVar aggregate classification (germline): Conflicting classifications of pathogenicity. Review status: criteria provided, conflicting classifications (1 of 4 stars). 4 submissions from 4 submitters: Uncertain significance (1); Likely benign (3). Last evaluated 2025-06-09.

Conditions:
ABCA4-related disorder. Also called: ABCA4-related disorders; ABCA4-related condition. Identifiers: MedGen CN239167.

Allele frequency attached by ClinVar (database versions not stated): gnomAD 0.00003 and 0.00004; gnomAD exomes 0.00003 and 0.00004; TOPMed 0.00003; ExAC 0.00007.
gnomAD v4.1: 52 of 1,613,026 alleles (0.0032%); highest among the groups gnomAD compares: South Asian, 0.0088%; no homozygotes.

Submissions (4):

PreventionGenetics, part of Exact Sciences
Classification: Likely benign for ABCA4-related condition. Last evaluated: 2025-06-09. Review status: criteria provided, single submitter. Criteria: ACMG Guidelines, 2015. Collection method: clinical testing. Allele origin: germline.
Comment: This variant is classified as likely benign based on ACMG/AMP sequence variant interpretation guidelines (Richards et al. 2015 PMID: 25741868, with internal and published modifications).

Labcorp Genetics (formerly Invitae), Labcorp
Classification: Likely benign. Last evaluated: 2024-07-02. Review status: criteria provided, single submitter. Criteria: Invitae Variant Classification Sherloc (09022015). Collection method: clinical testing. Allele origin: germline.

Blueprint Genetics
Classification: Likely benign. Last evaluated: 2023-11-06. Review status: criteria provided, single submitter. Criteria: ACMG Guidelines, 2015. Collection method: clinical testing. Allele origin: germline.

Illumina Laboratory Services, Illumina
Classification: Uncertain significance for ABCA4-Related Disorders. Last evaluated: 2018-01-13. Review status: criteria provided, single submitter. Criteria: ICSL Variant Classification Criteria 13 December 2019. Collection method: clinical testing. Allele origin: germline.

NM_000350.3(ABCA4):c.4128+12G>A

Gene: ABCA4 (ATP binding cassette subfamily A member 4; minus strand). Cytogenetic location: 1p22.1.
Variant type: single nucleotide variant.
Coding change: c.4128+12G>A on transcript NM_000350.3 (MANE Select); 12 bases into the intron after coding-DNA position 4128, G replaced by A.
Molecular consequence: intron variant.
Genome position (GRCh38, 1-based): chr1:94,031,766, C>T on the plus strand (G>A on the coding strand, the complement: ABCA4 is on the minus strand). VCF-style: chr1-94031766-C-T. GRCh37 (hg19) VCF-style: chr1-94497322-C-T.
Identifiers: ClinVar variation 874798 (VCV000874798.13), dbSNP rs746262766, ClinGen allele CA957721.